The following is an entry in ClinVar:

ClinVar aggregate classification (germline): Uncertain significance (1 of 4 stars; one submission).

Submission:

GeneDx
Classification: Uncertain significance. Last evaluated: 2019-09-25. Review status: criteria provided, single submitter. Criteria: GeneDx Variant Classification Process June 2021. Collection method: clinical testing. Allele origin: germline. Affected: yes.
Comment: Not observed in large population cohorts (Lek et al., 2016); In silico analysis, which includes protein predictors and evolutionary conservation, supports a deleterious effect; Has not been previously published as pathogenic or benign to our knowledge

NM_003047.5(SLC9A1):c.974A>G (p.His325Arg)

Gene: SLC9A1 (solute carrier family 9 member A1; minus strand). Cytogenetic location: 1p36.11.
Variant type: single nucleotide variant.
Coding change: c.974A>G on transcript NM_003047.5 (MANE Select); coding-DNA position 974, A replaced by G.
Protein change: p.His325Arg; replaces histidine 325 with arginine.
Molecular consequence: missense variant. On other transcripts: non-coding transcript variant (1).
Genome position (GRCh38, 1-based): chr1:27,109,617, T>C on the plus strand (A>G on the coding strand, the complement: SLC9A1 is on the minus strand). VCF-style: chr1-27109617-T-C. GRCh37 (hg19) VCF-style: chr1-27436108-T-C.
Other names: short protein forms H325R.
Identifiers: ClinVar variation 1308723 (VCV001308723.2), dbSNP rs2124146632, ClinGen allele CA339187322.